The following is an entry in ClinVar:

NM_017534.6(MYH2):c.265G>A (p.Glu89Lys)

Genes: MYHAS (myosin heavy chain gene cluster antisense RNA; plus strand), MYH2 (myosin heavy chain 2; minus strand). Cytogenetic location: 17p13.1.
Variant type: single nucleotide variant.
Coding change: c.265G>A on transcript NM_017534.6 (MANE Select); coding-DNA position 265, G replaced by A.
Protein change: p.Glu89Lys; replaces glutamic acid 89 with lysine.
Molecular consequence: missense variant.
Genome position (GRCh38, 1-based): chr17:10,547,558, C>T on the plus strand (G>A on the coding strand, the complement: MYH2 is on the minus strand). VCF-style: chr17-10547558-C-T. GRCh37 (hg19) VCF-style: chr17-10450875-C-T.
Other names: c.265G>A, p.Glu89Lys (NM_001100112.2); short protein forms E89K.
Identifiers: ClinVar variation 999496 (VCV000999496.5), dbSNP rs759350345, ClinGen allele CA8391684.
Genomic context (GRCh38, chr17:10,547,558, plus strand): 5'-GTTCTTTGAGGTTGTACAGCACAGCAGGCTCATGCAGATGAGTCATCATGGCCATATCCT[C>T]GATCTTGTCATATTTGGGAGGGTTCATGGGGAAGACCTGATCATCCTTCACTGTCAGAGT-3'
Protein context (NP_060004.3, residues 79-99): PMNPPKYDKI[Glu89Lys]DMAMMTHLHE

ClinVar aggregate classification (germline): Uncertain significance (1 of 4 stars; one submission).

Conditions:
Myopathy, proximal, and ophthalmoplegia (CMYO6). Also called: CONGENITAL MYOPATHY 6 WITH OPHTHALMOPLEGIA; INCLUSION BODY MYOPATHY 3, AUTOSOMAL DOMINANT; MYOPATHY WITH CONGENITAL JOINT CONTRACTURES, OPHTHALMOPLEGIA, AND RIMMED VACUOLES. Identifiers: Orphanet 363677, Orphanet 79091, MedGen C1854106, MONDO:0011577, OMIM 605637.

Allele frequency attached by ClinVar (database versions not stated): TOPMed 0.00001; ExAC 0.00002; gnomAD exomes 0.00002 and 0.00003; gnomAD 0.00003.
gnomAD v4.1: 44 of 1,613,990 alleles (0.0027%); highest among the groups gnomAD compares: African/African-American, 0.0053%; no homozygotes.

Submission:

Labcorp Genetics (formerly Invitae), Labcorp
Classification: Uncertain significance for Myopathy, proximal, and ophthalmoplegia. Last evaluated: 2023-08-30. Review status: criteria provided, single submitter. Criteria: Invitae Variant Classification Sherloc (09022015). Collection method: clinical testing. Allele origin: germline.
Comment: This variant has not been reported in the literature in individuals affected with MYH2-related conditions. This sequence change replaces glutamic acid, which is acidic and polar, with lysine, which is basic and polar, at codon 89 of the MYH2 protein (p.Glu89Lys). This variant is present in population databases (rs759350345, gnomAD 0.01%). ClinVar contains an entry for this variant (Variation ID: 999496). Advanced modeling of protein sequence and biophysical properties (such as structural, functional, and spatial information, amino acid conservation, physicochemical variation, residue mobility, and thermodynamic stability) performed at Invitae indicates that this missense variant is expected to disrupt MYH2 protein function. In summary, the available evidence is currently insufficient to determine the role of this variant in disease. Therefore, it has been classified as a Variant of Uncertain Significance.